The following is an entry in ClinVar:

ClinVar aggregate classification (germline): Pathogenic (1 of 4 stars; one submission).

Conditions:
Hyperornithinemia-hyperammonemia-homocitrullinuria syndrome (HHHS). Also called: HHH SYNDROME; Ornithine translocase deficiency. Identifiers: Orphanet 415, MedGen C0268540, MONDO:0009393, OMIM 238970.

Allele frequency attached by ClinVar (database versions not stated): gnomAD exomes below 0.00001.

Submission:

Labcorp Genetics (formerly Invitae), Labcorp
Classification: Pathogenic for Hyperornithinemia-hyperammonemia-homocitrullinuria syndrome. Last evaluated: 2021-07-22. Review status: criteria provided, single submitter. Criteria: Invitae Variant Classification Sherloc (09022015). Collection method: clinical testing. Allele origin: germline.
Comment: For these reasons, this variant has been classified as Pathogenic. Algorithms developed to predict the effect of sequence changes on RNA splicing suggest that this variant may create or strengthen a splice site. This variant has not been reported in the literature in individuals affected with SLC25A15-related conditions. This variant is not present in population databases (ExAC no frequency). This sequence change creates a premature translational stop signal (p.Tyr191Metfs*3) in the SLC25A15 gene. It is expected to result in an absent or disrupted protein product. Loss-of-function variants in SLC25A15 are known to be pathogenic (PMID: 11552031, 19242930).

Literature cited by the submitters: PubMed 11552031; PubMed 19242930.

NM_014252.4(SLC25A15):c.570del (p.Tyr191fs)

Gene: SLC25A15 (solute carrier family 25 member 15; plus strand). Cytogenetic location: 13q14.11.
Variant type: Deletion.
Coding change: c.570del on transcript NM_014252.4 (MANE Select); coding-DNA position 570, one base deleted (C; older notation c.570delC).
Protein change: p.Tyr191fs; shifts the reading frame from tyrosine 191.
Molecular consequence: frameshift variant.
Genome position (GRCh38, 1-based): chr13:40,807,411, C deleted. VCF-style (leftmost placement, unchanged base first): chr13-40807410-GC-G. GRCh37 (hg19) VCF-style: chr13-41381546-GC-G.
Other names: short protein forms Y191fs.
Identifiers: ClinVar variation 1452998 (VCV001452998.6), dbSNP rs2138056832, ClinGen allele CA2573149653.
Genomic context (GRCh38, chr13:40,807,410, plus strand): 5'-ACCATGGACTCTCAAGCACTTTACTTCGAGAAGTACCAGGCTATTTCTTCTTCTTCGGTG[GC>G]TATGAACTGAGCCGGTCCTTTTTTGCATCAGGGAGATCAAAAGATGAATTAGGTAAATGT-3'